The following is an entry in ClinVar:

ClinVar aggregate classification (germline): Conflicting classifications of pathogenicity. Review status: criteria provided, conflicting classifications (1 of 4 stars). 2 submissions from 2 submitters: Uncertain significance (1); Likely benign (1). Last evaluated 2025-08-11.

Allele frequency attached by ClinVar (database versions not stated): gnomAD 0.00003; TOPMed 0.00003.
gnomAD v4.1: 6 of 1,590,270 alleles (0.00038%); highest among the groups gnomAD compares: African/African-American, 0.004%; no homozygotes.

Submissions (2):

Labcorp Genetics (formerly Invitae), Labcorp
Classification: Likely benign. Last evaluated: 2025-08-11. Review status: criteria provided, single submitter. Criteria: Invitae Variant Classification Sherloc (09022015). Collection method: clinical testing. Allele origin: germline.

GeneDx
Classification: Uncertain significance. Last evaluated: 2024-10-14. Review status: criteria provided, single submitter. Criteria: GeneDx Variant Classification Process June 2021. Collection method: clinical testing. Allele origin: germline. Affected: yes.
Comment: Not observed at significant frequency in large population cohorts (gnomAD); In silico analysis supports that this missense variant has a deleterious effect on protein structure/function; Has not been previously published as pathogenic or benign to our knowledge

NM_080680.3(COL11A2):c.2939C>T (p.Pro980Leu)

Gene: COL11A2 (collagen type XI alpha 2 chain; minus strand). Cytogenetic location: 6p21.32.
Variant type: single nucleotide variant.
Coding change: c.2939C>T on transcript NM_080680.3 (MANE Select); coding-DNA position 2939, C replaced by T.
Protein change: p.Pro980Leu; replaces proline 980 with leucine.
Molecular consequence: missense variant.
Genome position (GRCh38, 1-based): chr6:33,172,338, G>A on the plus strand (C>T on the coding strand, the complement: COL11A2 is on the minus strand). VCF-style: chr6-33172338-G-A. GRCh37 (hg19) VCF-style: chr6-33140115-G-A.
Other names: c.2618C>T, p.Pro873Leu (NM_080679.3); c.2681C>T, p.Pro894Leu (NM_080681.3); c.2939C>T (NM_080680.2); short protein forms P980L, P873L, P894L.
Identifiers: ClinVar variation 1366848 (VCV001366848.7), dbSNP rs1408490036, ClinGen allele CA363636954.
Genomic context (GRCh38, chr6:33,172,338, plus strand): 5'-GTCACACTCACAGCAGTGCCTGGGAGGCCTCTCTCTCCTGGGAATCCCCTCAGACCAGCA[G>A]GACCATCCTTCCCTGGGGCCCCAGGGGGACCAGGGTCACCCTAAAAGGAAAGGAGAGGTG-3'
Protein context (NP_542411.2, residues 970-990): GPPGAPGKDG[Pro980Leu]AGLRGFPGER